The following is an entry in ClinVar:

NM_024996.7(GFM1):c.1909+13C>G

Gene: GFM1 (G elongation factor mitochondrial 1; plus strand). Cytogenetic location: 3q25.32.
Variant type: single nucleotide variant.
Coding change: c.1909+13C>G on transcript NM_024996.7 (MANE Select); 13 bases into the intron after coding-DNA position 1909, C replaced by G.
Molecular consequence: intron variant.
Genome position (GRCh38, 1-based): chr3:158,684,681, C>G. VCF-style: chr3-158684681-C-G. GRCh37 (hg19) VCF-style: chr3-158402470-C-G.
Other names: c.1966+13C>G (NM_001308164.2); c.1684+13C>G (NM_001374357.1); c.1828+13C>G (NM_001374355.1); c.1792+13C>G (NM_001374356.1); c.1342+13C>G (NM_001374359.1, NM_001374360.1); c.1225+13C>G (NM_001374361.1); c.1450+13C>G (NM_001374358.1).
Identifiers: ClinVar variation 380293 (VCV000380293.8), dbSNP rs141146379, ClinGen allele CA2683013.

ClinVar aggregate classification (germline): Benign/Likely benign. Review status: criteria provided, multiple submitters, no conflicts (2 of 4 stars). 2 submissions from 2 submitters: Benign (1); Likely benign (1). Last evaluated 2026-01-18.

Allele frequency attached by ClinVar (database versions not stated): TOPMed 0.00012.
gnomAD v4.1: 153 of 1,613,460 alleles (0.0095%); highest among the groups gnomAD compares: Admixed American, 0.25%; no homozygotes.

Submissions (2):

Labcorp Genetics (formerly Invitae), Labcorp
Classification: Benign. Last evaluated: 2026-01-18. Review status: criteria provided, single submitter. Criteria: Invitae Variant Classification Sherloc (09022015). Collection method: clinical testing. Allele origin: germline.

GeneDx
Classification: Likely benign. Last evaluated: 2017-11-16. Review status: criteria provided, single submitter. Criteria: GeneDx Variant Classification (06012015). Collection method: clinical testing. Allele origin: germline. Affected: yes.
Comment: This variant is considered likely benign or benign based on one or more of the following criteria: it is a conservative change, it occurs at a poorly conserved position in the protein, it is predicted to be benign by multiple in silico algorithms, and/or has population frequency not consistent with disease.